The following is an entry in ClinVar:

ClinVar aggregate classification (germline): Conflicting classifications of pathogenicity. Review status: criteria provided, conflicting classifications (1 of 4 stars). 2 submissions from 2 submitters: Uncertain significance (1); Benign (1). Last evaluated 2025-04-17.

Allele frequency attached by ClinVar (database versions not stated): gnomAD exomes below 0.00001 and 0.00001; ExAC 0.00001; gnomAD 0.00001; TOPMed 0.00003; ESP Exome Variant Server 0.00015.
gnomAD v4.1: 7 of 1,614,028 alleles (0.00043%); highest among the groups gnomAD compares: African/African-American, 0.0013%; no homozygotes.

Submissions (2):

Labcorp Genetics (formerly Invitae), Labcorp
Classification: Benign. Last evaluated: 2025-04-17. Review status: criteria provided, single submitter. Criteria: Invitae Variant Classification Sherloc (09022015). Collection method: clinical testing. Allele origin: germline.

GeneDx
Classification: Uncertain significance. Last evaluated: 2023-12-21. Review status: criteria provided, single submitter. Criteria: GeneDx Variant Classification Process June 2021. Collection method: clinical testing. Allele origin: germline. Affected: yes.
Comment: In silico analysis supports that this missense variant has a deleterious effect on protein structure/function; Has not been previously published as pathogenic or benign to our knowledge

NM_004958.4(MTOR):c.1883G>A (p.Arg628His)

Gene: MTOR (mechanistic target of rapamycin kinase; minus strand). Cytogenetic location: 1p36.22.
Variant type: single nucleotide variant.
Coding change: c.1883G>A on transcript NM_004958.4 (MANE Select); coding-DNA position 1883, G replaced by A.
Protein change: p.Arg628His; replaces arginine 628 with histidine.
Molecular consequence: missense variant.
Genome position (GRCh38, 1-based): chr1:11,238,521, C>T on the plus strand (G>A on the coding strand, the complement: MTOR is on the minus strand). VCF-style: chr1-11238521-C-T. GRCh37 (hg19) VCF-style: chr1-11298578-C-T.
Other names: c.1883G>A, p.Arg628His (NM_001386500.1); c.635G>A, p.Arg212His (NM_001386501.1); c.1883G>A (NM_004958.3); short protein forms R628H, R212H.
Identifiers: ClinVar variation 1045336 (VCV001045336.9), dbSNP rs146049556, ClinGen allele CA590617.